The following is an entry in ClinVar:

ClinVar aggregate classification (germline): Benign/Likely benign. Review status: criteria provided, multiple submitters, no conflicts (2 of 4 stars). 4 submissions from 4 submitters: Benign (1); Likely benign (3). Last evaluated 2026-07-13.

Conditions:
Hereditary cancer-predisposing syndrome. Also called: Hereditary Cancer Syndrome; Hereditary neoplastic syndrome; Neoplastic Syndromes, Hereditary; Tumor predisposition. Identifiers: Orphanet 140162, MedGen C0027672, MeSH D009386, MONDO:0015356.
Rhabdoid tumor predisposition syndrome 2 (RTPS2). Identifiers: Orphanet 231108, Orphanet 69077, MedGen C2750074, MONDO:0013224, OMIM 613325.

gnomAD v4.1: 7 of 1,614,108 alleles (0.00043%); highest among the groups gnomAD compares: Non-Finnish European, 0.00059%; no homozygotes.

Submissions (4):

Myriad Genetics, Inc.
Classification: Benign for Rhabdoid tumor predisposition syndrome 2. Last evaluated: 2026-07-13. Review status: criteria provided, single submitter. Criteria: Myriad Autosomal Dominant, Autosomal Recessive and X-Linked Classification Criteria (2023). Collection method: clinical testing. Allele origin: unknown.
Comment: This variant is considered benign. This variant is a silent/synonymous amino acid change and it is not expected to impact splicing.

Labcorp Genetics (formerly Invitae), Labcorp
Classification: Likely benign for Rhabdoid tumor predisposition syndrome 2. Last evaluated: 2024-07-28. Review status: criteria provided, single submitter. Criteria: Invitae Variant Classification Sherloc (09022015). Collection method: clinical testing. Allele origin: germline.

Sema4
Classification: Likely benign for Hereditary cancer-predisposing syndrome. Last evaluated: 2020-09-25. Review status: criteria provided, single submitter. Criteria: Sema4 Curation Guidelines. Collection method: curation. Allele origin: germline.

Ambry Genetics
Classification: Likely benign for Hereditary cancer-predisposing syndrome. Last evaluated: 2016-04-11. Review status: criteria provided, single submitter. Criteria: Ambry Variant Classification Scheme 2023. Collection method: clinical testing. Allele origin: germline.

NM_003072.5(SMARCA4):c.2382G>T (p.Thr794=)

Gene: SMARCA4 (SWI/SNF related BAF chromatin remodeling complex subunit ATPase 4; plus strand). Cytogenetic location: 19p13.2.
Variant type: single nucleotide variant.
Coding change: c.2382G>T on transcript NM_003072.5 (MANE Select); coding-DNA position 2382, G replaced by T.
Protein change: p.Thr794=; no amino-acid change (threonine 794 retained).
Molecular consequence: synonymous variant. On other transcripts: non-coding transcript variant (1).
Genome position (GRCh38, 1-based): chr19:11,013,056, G>T. VCF-style: chr19-11013056-G-T. GRCh37 (hg19) VCF-style: chr19-11123732-G-T.
Other names: c.2382G>T, p.Thr794= (NM_001128845.2, NM_001128846.2, NM_001128847.4 and 5 more transcripts).
Identifiers: ClinVar variation 415048 (VCV000415048.18), dbSNP rs373048420, ClinGen allele CA9204092.
Genomic context (GRCh38, chr19:11,013,056, plus strand): 5'-CGGCATCCTGGCCGACGAGATGGGCCTGGGGAAGACCATCCAGACCATCGCGCTCATCAC[G>T]TACCTCATGGAGCACAAACGCATCAATGGGCCCTTCCTCATCATCGTGCCTCTCTCGTGA-3'
Protein context (NP_003063.2, residues 784-804): GKTIQTIALI[Thr794=]YLMEHKRING